The following is an entry in ClinVar:

NM_007294.4(BRCA1):c.2409T>G (p.Ser803Arg)

Gene: BRCA1 (BRCA1 DNA repair associated; minus strand). Cytogenetic location: 17q21.31.
Variant type: single nucleotide variant.
Coding change: c.2409T>G on transcript NM_007294.4 (MANE Select); coding-DNA position 2409, T replaced by G.
Protein change: p.Ser803Arg; replaces serine 803 with arginine.
Molecular consequence: missense variant. On other transcripts: intron variant (137).
Genome position (GRCh38, 1-based): chr17:43,093,122, A>C on the plus strand (T>G on the coding strand, the complement: BRCA1 is on the minus strand). VCF-style: chr17-43093122-A-C. GRCh37 (hg19) VCF-style: chr17-41245139-A-C.
Other names: c.2196T>G, p.Ser732Arg (NM_001407571.1, NM_001407853.1, NM_001407894.1 and 9 more transcripts); c.2409T>G, p.Ser803Arg (NM_001407581.1, NM_001407582.1, NM_001407583.1 and 30 more transcripts); c.2406T>G, p.Ser802Arg (NM_001407587.1, NM_001407590.1, NM_001407591.1 and 22 more transcripts); c.2400T>G, p.Ser800Arg (NM_001407646.1, NM_001407647.1); c.2286T>G, p.Ser762Arg (NM_001407648.1, NM_001407664.1, NM_001407665.1 and 19 more transcripts); c.2283T>G, p.Ser761Arg (NM_001407649.1, NM_001407670.1, NM_001407671.1 and 11 more transcripts); c.2331T>G, p.Ser777Arg (NM_001407653.1, NM_001407654.1, NM_001407655.1 and 4 more transcripts); c.2328T>G, p.Ser776Arg (NM_001407659.1, NM_001407660.1, NM_001407661.1 and 1 more transcripts); and 41 more; short protein forms S507R, S635R, S675R, S676R, S691R, S692R, S714R, S715R.
Identifiers: ClinVar variation 2506341 (VCV002506341.1), dbSNP rs1555589731, ClinGen allele CA10597189.

ClinVar aggregate classification (germline): Uncertain significance (1 of 4 stars; one submission).

Submission:

Women's Health and Genetics/Laboratory Corporation of America, LabCorp
Classification: Uncertain significance. Last evaluated: 2023-05-18. Review status: criteria provided, single submitter. Criteria: LabCorp Variant Classification Summary - May 2015. Collection method: clinical testing. Allele origin: germline.
Comment: Variant summary: BRCA1 c.2409T>G (p.Ser803Arg) results in a non-conservative amino acid change in the encoded protein sequence. Four of five in-silico tools predict a benign effect of the variant on protein function. The variant was absent in 250544 control chromosomes (gnomAD). The available data on variant occurrences in the general population are insufficient to allow any conclusion about variant significance. To our knowledge, no occurrence of c.2409T>G in individuals affected with Hereditary Breast And Ovarian Cancer Syndrome and no experimental evidence demonstrating its impact on protein function have been reported. No clinical diagnostic laboratories have submitted clinical-significance assessments for this variant to ClinVar after 2014. Based on the evidence outlined above, the variant was classified as uncertain significance.